The following is an entry in ClinVar:

NM_006265.3(RAD21):c.1836A>C (p.Thr612=)

Gene: RAD21 (RAD21 cohesin complex component; minus strand). Cytogenetic location: 8q24.11.
Variant type: single nucleotide variant.
Coding change: c.1836A>C on transcript NM_006265.3 (MANE Select); coding-DNA position 1836, A replaced by C.
Protein change: p.Thr612=; no amino-acid change (threonine 612 retained).
Molecular consequence: synonymous variant.
Genome position (GRCh38, 1-based): chr8:116,847,560, T>G on the plus strand (A>C on the coding strand, the complement: RAD21 is on the minus strand). VCF-style: chr8-116847560-T-G. GRCh37 (hg19) VCF-style: chr8-117859799-T-G.
Identifiers: ClinVar variation 3047087 (VCV003047087.2), dbSNP rs2130449843, ClinGen allele CA462497763.

ClinVar aggregate classification (germline): Likely benign (0 of 4 stars; one submission).

Conditions:
RAD21-related disorder. Also called: RAD21- Related disorders; RAD21-related condition.

Allele frequency attached by ClinVar (database versions not stated): gnomAD exomes below 0.00001.
gnomAD v4.1: 2 of 1,614,134 alleles (0.00012%); highest among the groups gnomAD compares: Non-Finnish European, 0.00017%; no homozygotes.

Submission:

PreventionGenetics, part of Exact Sciences
Classification: Likely benign for RAD21-related condition. Last evaluated: 2019-03-14. Review status: no assertion criteria provided. Collection method: clinical testing. Allele origin: germline.
Comment: This variant is classified as likely benign based on ACMG/AMP sequence variant interpretation guidelines (Richards et al. 2015 PMID: 25741868, with internal and published modifications).